The following is an entry in ClinVar:

ClinVar aggregate classification (germline): Uncertain significance (1 of 4 stars; one submission).

gnomAD v4.1: 2 of 1,553,084 alleles (0.00013%); highest among the groups gnomAD compares: Middle Eastern, 0.017%; no homozygotes.

Submission:

Labcorp Genetics (formerly Invitae), Labcorp
Classification: Uncertain significance. Last evaluated: 2025-02-24. Review status: criteria provided, single submitter. Criteria: Invitae Variant Classification Sherloc (09022015). Collection method: clinical testing. Allele origin: germline.
Comment: This sequence change replaces arginine, which is basic and polar, with leucine, which is neutral and non-polar, at codon 358 of the PACS2 protein (p.Arg358Leu). This variant is not present in population databases (gnomAD no frequency). This variant has not been reported in the literature in individuals affected with PACS2-related conditions. ClinVar contains an entry for this variant (Variation ID: 2958043). An algorithm developed to predict the effect of missense changes on protein structure and function (PolyPhen-2) suggests that this variant is likely to be tolerated. In summary, the available evidence is currently insufficient to determine the role of this variant in disease. Therefore, it has been classified as a Variant of Uncertain Significance.

NM_001100913.3(PACS2):c.1073G>T (p.Arg358Leu)

Gene: PACS2 (phosphofurin acidic cluster sorting protein 2; plus strand). Cytogenetic location: 14q32.33.
Variant type: single nucleotide variant.
Coding change: c.1073G>T on transcript NM_001100913.3 (MANE Select); coding-DNA position 1073, G replaced by T.
Protein change: p.Arg358Leu; replaces arginine 358 with leucine.
Molecular consequence: missense variant.
Genome position (GRCh38, 1-based): chr14:105,380,102, G>T. VCF-style: chr14-105380102-G-T. GRCh37 (hg19) VCF-style: chr14-105846439-G-T.
Other names: c.848G>T, p.Arg283Leu (NM_001243127.3); c.1073G>T, p.Arg358Leu (NM_015197.4); short protein forms R358L, R283L.
Identifiers: ClinVar variation 2958043 (VCV002958043.3), dbSNP rs782336809, ClinGen allele CA391180622.